The following is an entry in ClinVar:

ClinVar aggregate classification (germline): Likely pathogenic (1 of 4 stars; one submission).

Conditions:
Primary ciliary dyskinesia. Also called: Ciliary dyskinesia. Identifiers: Orphanet 244, MedGen C0008780, MONDO:0016575, HP:0012265.

Submission:

Natera, Inc.
Classification: Likely pathogenic for Primary ciliary dyskinesia. Last evaluated: 2025-10-07. Review status: criteria provided, single submitter. Criteria: Natera Variant Classification Schema (03/2026). Collection method: clinical testing. Allele origin: germline.
Comment: The c.2984-1G>C variant in DNAH5 is a canonical splice acceptor site variant predicted to affect pre-mRNA splicing, which may result in an abnormal transcript and altered protein product. This variant is expected to result in nonsense mediated decay, truncation, or a dysfunctional protein product. This variant is rare in the general population with a frequency below the threshold expected for the associated phenotype(s). Given the available evidence, this variant is classified as Likely Pathogenic.

NM_001369.3(DNAH5):c.2984-1G>C

Genes: DNAH5 (dynein axonemal heavy chain 5; minus strand), DNAH5-AS1 (DNAH5 antisense RNA 1; plus strand). Cytogenetic location: 5p15.2.
Variant type: single nucleotide variant.
Coding change: c.2984-1G>C on transcript NM_001369.3 (MANE Select); the canonical splice acceptor site of the intron before coding-DNA position 2984, G replaced by C.
Molecular consequence: splice acceptor variant.
Genome position (GRCh38, 1-based): chr5:13,883,095, C>G on the plus strand (G>C on the coding strand, the complement: DNAH5 is on the minus strand). VCF-style: chr5-13883095-C-G. GRCh37 (hg19) VCF-style: chr5-13883204-C-G.
Identifiers: ClinVar variation 4814878 (VCV004814878.1).
Genomic context (GRCh38, chr5:13,883,095, plus strand): 5'-TGACGCTTGCCCGGAAAATGGGCAAACTGTTCTGCTTCATGTTAGAGGCACTGTTACTGT[C>G]TGAGTTAACCCAAAACAAGGAAGAATTCACATTTTTAATACAAAATAAGATTTGCTTCCT-3'